The following is an entry in ClinVar:

ClinVar aggregate classification (germline): Uncertain significance. Review status: criteria provided, multiple submitters, no conflicts (2 of 4 stars). 2 submissions from 2 submitters: Uncertain significance (2). Last evaluated 2024-06-20.

Conditions:
Hereditary cancer-predisposing syndrome. Also called: Neoplastic Syndromes, Hereditary; Hereditary neoplastic syndrome; Hereditary Cancer Syndrome; Tumor predisposition. Identifiers: Orphanet 140162, MedGen C0027672, MeSH D009386, MONDO:0015356.
DICER1-related tumor predisposition. Also called: DICER1 syndrome; DICER1-related pleuropulmonary blastoma cancer predisposition syndrome. Identifiers: Orphanet 284343, MedGen C3839822, MONDO:0100216.

Submissions (2):

Ambry Genetics
Classification: Uncertain significance for Hereditary cancer-predisposing syndrome. Last evaluated: 2024-06-20. Review status: criteria provided, single submitter. Criteria: Ambry Variant Classification Scheme 2023. Collection method: clinical testing. Allele origin: germline.
Comment: The p.M190L variant (also known as c.568A>T), located in coding exon 4 of the DICER1 gene, results from an A to T substitution at nucleotide position 568. The methionine at codon 190 is replaced by leucine, an amino acid with highly similar properties. This amino acid position is conserved. In addition, the in silico prediction for this alteration is inconclusive. Based on the available evidence, the clinical significance of this variant remains unclear.

Labcorp Genetics (formerly Invitae), Labcorp
Classification: Uncertain significance for DICER1-related tumor predisposition. Last evaluated: 2018-08-03. Review status: criteria provided, single submitter. Criteria: Invitae Variant Classification Sherloc (09022015). Collection method: clinical testing. Allele origin: germline.
Comment: This sequence change replaces methionine with leucine at codon 190 of the DICER1 protein (p.Met190Leu). The methionine residue is highly conserved and there is a small physicochemical difference between methionine and leucine. This variant is not present in population databases (ExAC no frequency). This variant has not been reported in the literature in individuals with DICER1-related disease. Algorithms developed to predict the effect of missense changes on protein structure and function (SIFT, PolyPhen-2, Align-GVGD) all suggest that this variant is likely to be tolerated, but these predictions have not been confirmed by published functional studies and their clinical significance is uncertain. In summary, the available evidence is currently insufficient to determine the role of this variant in disease. Therefore, it has been classified as a Variant of Uncertain Significance.

NM_177438.3(DICER1):c.568A>T (p.Met190Leu)

Gene: DICER1 (dicer 1, ribonuclease III; minus strand). Cytogenetic location: 14q32.13.
Variant type: single nucleotide variant.
Coding change: c.568A>T on transcript NM_177438.3 (MANE Select); coding-DNA position 568, A replaced by T.
Protein change: p.Met190Leu; replaces methionine 190 with leucine.
Molecular consequence: missense variant.
Genome position (GRCh38, 1-based): chr14:95,130,063, T>A on the plus strand (A>T on the coding strand, the complement: DICER1 is on the minus strand). VCF-style: chr14-95130063-T-A. GRCh37 (hg19) VCF-style: chr14-95596400-T-A.
Other names: c.568A>T, p.Met190Leu (NM_001195573.1, NM_001271282.3, NM_001291628.2 and 1 more transcripts); short protein forms M190L.
Identifiers: ClinVar variation 657879 (VCV000657879.11), dbSNP rs769477041, ClinGen allele CA390888338.